The following is an entry in ClinVar:

NM_014423.4(AFF4):c.2207C>T (p.Pro736Leu)

Gene: AFF4 (ALF transcription elongation factor 4; minus strand). Cytogenetic location: 5q31.1.
Variant type: single nucleotide variant.
Coding change: c.2207C>T on transcript NM_014423.4 (MANE Select); coding-DNA position 2207, C replaced by T.
Protein change: p.Pro736Leu; replaces proline 736 with leucine.
Molecular consequence: missense variant.
Genome position (GRCh38, 1-based): chr5:132,896,423, G>A on the plus strand (C>T on the coding strand, the complement: AFF4 is on the minus strand). VCF-style: chr5-132896423-G-A. GRCh37 (hg19) VCF-style: chr5-132232115-G-A.
Other names: c.2207C>T (NM_014423.3); short protein forms P736L.
Identifiers: ClinVar variation 2075558 (VCV002075558.28), dbSNP rs771044846, ClinGen allele CA3408993.

ClinVar aggregate classification (germline): Conflicting classifications of pathogenicity. Review status: criteria provided, conflicting classifications (1 of 4 stars). 4 submissions from 4 submitters: Uncertain significance (2); Likely benign (1). 1 of the submissions does not count toward it. Last evaluated 2025-04-01.

Conditions:
AFF4-related disorder. Also called: AFF4-related condition.
Cognitive impairment - coarse facies - heart defects - obesity - pulmonary involvement - short stature - skeletal dysplasia syndrome. Also called: COGNITIVE IMPAIRMENT, COARSE FACIES, HEART DEFECTS, OBESITY, PULMONARY INVOLVEMENT, SHORT STATURE, AND SKELETAL DYSPLASIA; Chops syndrome; AFF4-Related CHOPS Syndrome. Identifiers: Orphanet 444077, MedGen C4085597, MONDO:0014609, OMIM 616368.
Inborn genetic diseases. Identifiers: MedGen C0950123, MeSH D030342.

Allele frequency attached by ClinVar (database versions not stated): TOPMed 0.00004.
gnomAD v4.1: 38 of 1,614,000 alleles (0.0024%); highest among the groups gnomAD compares: Non-Finnish European, 0.0028%; no homozygotes.

Submissions (4):

Ambry Genetics
Classification: Uncertain significance for Inborn genetic diseases. Last evaluated: 2025-04-01. Review status: criteria provided, single submitter. Criteria: Ambry Variant Classification Scheme 2023. Collection method: clinical testing. Allele origin: germline.

Labcorp Genetics (formerly Invitae), Labcorp
Classification: Uncertain significance for Cognitive impairment - coarse facies - heart defects - obesity - pulmonary involvement - short stature - skeletal dysplasia syndrome. Last evaluated: 2024-03-17. Review status: criteria provided, single submitter. Criteria: Invitae Variant Classification Sherloc (09022015). Collection method: clinical testing. Allele origin: germline.
Comment: This sequence change replaces proline, which is neutral and non-polar, with leucine, which is neutral and non-polar, at codon 736 of the AFF4 protein (p.Pro736Leu). This variant is present in population databases (rs771044846, gnomAD 0.005%). This variant has not been reported in the literature in individuals affected with AFF4-related conditions. ClinVar contains an entry for this variant (Variation ID: 2075558). Advanced modeling of protein sequence and biophysical properties (such as structural, functional, and spatial information, amino acid conservation, physicochemical variation, residue mobility, and thermodynamic stability) performed at Invitae indicates that this missense variant is not expected to disrupt AFF4 protein function with a negative predictive value of 80%. In summary, the available evidence is currently insufficient to determine the role of this variant in disease. Therefore, it has been classified as a Variant of Uncertain Significance.

CeGaT Center for Human Genetics Tuebingen
Classification: Likely benign. Last evaluated: 2023-08-01. Review status: criteria provided, single submitter. Criteria: CeGaT Center For Human Genetics Tuebingen Variant Classification Criteria Version 2. Collection method: clinical testing. Allele origin: germline. Affected: yes. Observed: 1 variant allele.
Comment: AFF4: BP4

PreventionGenetics, part of Exact Sciences
Classification: Uncertain significance for AFF4-related condition. Last evaluated: 2024-04-10. Review status: no assertion criteria provided. Collection method: clinical testing. Allele origin: germline. Not counted in ClinVar's aggregate classification.
Comment: The AFF4 c.2207C>T variant is predicted to result in the amino acid substitution p.Pro736Leu. To our knowledge, this variant has not been reported in the literature. This variant is reported in 0.0053% of alleles in individuals of European (Non-Finnish) descent in gnomAD. At this time, the clinical significance of this variant is uncertain due to the absence of conclusive functional and genetic evidence.